The following is an entry in ClinVar:

NM_001164508.2(NEB):c.7219C>T (p.Gln2407Ter)

Gene: NEB (nebulin; minus strand). Cytogenetic location: 2q23.3.
Variant type: single nucleotide variant.
Coding change: c.7219C>T on transcript NM_001164508.2 (MANE Select); coding-DNA position 7219, C replaced by T.
Protein change: p.Gln2407Ter; replaces glutamine 2407 with a stop codon.
Molecular consequence: nonsense.
Genome position (GRCh38, 1-based): chr2:151,650,582, G>A on the plus strand (C>T on the coding strand, the complement: NEB is on the minus strand). VCF-style: chr2-151650582-G-A. GRCh37 (hg19) VCF-style: chr2-152507096-G-A.
Other names: c.7219C>T, p.Gln2407Ter (NM_001164507.2, NM_001271208.2, NM_004543.5); short protein forms Q2407*.
Identifiers: ClinVar variation 1456861 (VCV001456861.6), dbSNP rs2099019846, ClinGen allele CA348789112.

ClinVar aggregate classification (germline): Pathogenic (1 of 4 stars; one submission).

Conditions:
Nemaline myopathy 2 (NEM2). Also called: Nemaline myopathy 2, autosomal recessive. Identifiers: MedGen C1850569, MONDO:0009725, OMIM 256030.

Submission:

Labcorp Genetics (formerly Invitae), Labcorp
Classification: Pathogenic for Nemaline myopathy 2. Last evaluated: 2020-12-19. Review status: criteria provided, single submitter. Criteria: Invitae Variant Classification Sherloc (09022015). Collection method: clinical testing. Allele origin: germline.
Comment: For these reasons, this variant has been classified as Pathogenic. This variant has not been reported in the literature in individuals with NEB-related conditions. This variant is not present in population databases (ExAC no frequency). This sequence change creates a premature translational stop signal (p.Gln2407*) in the NEB gene. It is expected to result in an absent or disrupted protein product. Loss-of-function variants in NEB are known to be pathogenic (PMID: 25205138).

Literature cited by the submitters: PubMed 25205138.